The following is an entry in ClinVar:

ClinVar aggregate classification (germline): Benign (1 of 4 stars; one submission).

Conditions:
Nail-patella syndrome (NPS). Also called: FONG DISEASE; ONYCHOOSTEODYSPLASIA; TURNER-KIESER SYNDROME. Identifiers: Orphanet 2614, MedGen C0027341, MONDO:0008061, OMIM 161200.

Allele frequency attached by ClinVar (database versions not stated): gnomAD 0.00770; TOPMed 0.00838; 1000 Genomes Project 0.00938; 1000 Genomes Project 30x 0.01031.

Submission:

Illumina Laboratory Services, Illumina
Classification: Benign for Nail-patella syndrome. Last evaluated: 2018-01-12. Review status: criteria provided, single submitter. Criteria: ICSL Variant Classification Criteria 13 December 2019. Collection method: clinical testing. Allele origin: germline.
Comment: This variant was observed in the ICSL laboratory as part of a predisposition screen in an ostensibly healthy population. It had not been previously curated by ICSL or reported in the Human Gene Mutation Database (HGMD: prior to June 1st, 2018), and was therefore a candidate for classification through an automated scoring system. Utilizing variant allele frequency, disease prevalence and penetrance estimates, and inheritance mode, an automated score was calculated to assess if this variant is too frequent to cause the disease. Based on the score and internal cut-off values, a variant classified as benign is not then subjected to further curation. The score for this variant resulted in a classification of benign for this disease.

NM_001174147.2(LMX1B):c.*1538C>G

Gene: LMX1B (LIM homeobox transcription factor 1 beta; plus strand). Cytogenetic location: 9q33.3.
Variant type: single nucleotide variant.
Coding change: c.*1538C>G on transcript NM_001174147.2 (MANE Select); 1538 bases downstream of the stop codon, C replaced by G.
Molecular consequence: 3 prime UTR variant.
Genome position (GRCh38, 1-based): chr9:126,697,989, C>G. VCF-style: chr9-126697989-C-G. GRCh37 (hg19) VCF-style: chr9-129460268-C-G.
Other names: c.*1538C>G (NM_001174146.2, NM_002316.4).
Identifiers: ClinVar variation 364932 (VCV000364932.5), dbSNP rs144857145, ClinGen allele CA10632292.
Genomic context (GRCh38, chr9:126,697,989, plus strand): 5'-GCAATGGCGCGATCTCGGCTCACCACAACCTCCGCCTCCCAGGTTCAAGTGATTCTGATG[C>G]CTCAGCCTCCCTAGTAGCTGAGATTACAGGCATGCGCCACCACACCCAGCTAATTTTGTA-3'